The following is an entry in ClinVar:

ClinVar aggregate classification (germline): Uncertain significance. Review status: criteria provided, multiple submitters, no conflicts (2 of 4 stars). 2 submissions from 2 submitters: Uncertain significance (2). Last evaluated 2025-09-29.

Conditions:
Epileptic encephalopathy. Identifiers: MedGen C0543888, HP:0200134.

Allele frequency attached by ClinVar (database versions not stated): gnomAD exomes below 0.00001 and 0.00003; gnomAD 0.00001; ExAC 0.00002.
gnomAD v4.1: 42 of 1,606,670 alleles (0.0026%); highest among the groups gnomAD compares: Non-Finnish European, 0.0036%; no homozygotes.

Submissions (2):

Ambry Genetics
Classification: Uncertain significance. Last evaluated: 2025-09-29. Review status: criteria provided, single submitter. Criteria: Ambry Variant Classification Scheme 2023. Collection method: clinical testing. Allele origin: germline.

Labcorp Genetics (formerly Invitae), Labcorp
Classification: Uncertain significance for Epileptic encephalopathy. Last evaluated: 2022-08-31. Review status: criteria provided, single submitter. Criteria: Invitae Variant Classification Sherloc (09022015). Collection method: clinical testing. Allele origin: germline.
Comment: In summary, the available evidence is currently insufficient to determine the role of this variant in disease. Therefore, it has been classified as a Variant of Uncertain Significance. Algorithms developed to predict the effect of missense changes on protein structure and function (SIFT, PolyPhen-2, Align-GVGD) all suggest that this variant is likely to be tolerated. ClinVar contains an entry for this variant (Variation ID: 945905). This variant has not been reported in the literature in individuals affected with FASN-related conditions. This variant is present in population databases (rs773009544, gnomAD 0.002%). This sequence change replaces alanine, which is neutral and non-polar, with threonine, which is neutral and polar, at codon 311 of the FASN protein (p.Ala311Thr).

NM_004104.5(FASN):c.931G>A (p.Ala311Thr)

Gene: FASN (fatty acid synthase; minus strand). Cytogenetic location: 17q25.3.
Variant type: single nucleotide variant.
Coding change: c.931G>A on transcript NM_004104.5 (MANE Select); coding-DNA position 931, G replaced by A.
Protein change: p.Ala311Thr; replaces alanine 311 with threonine.
Molecular consequence: missense variant.
Genome position (GRCh38, 1-based): chr17:82,092,553, C>T on the plus strand (G>A on the coding strand, the complement: FASN is on the minus strand). VCF-style: chr17-82092553-C-T. GRCh37 (hg19) VCF-style: chr17-80050429-C-T.
Other names: short protein forms A311T.
Identifiers: ClinVar variation 945905 (VCV000945905.10), dbSNP rs773009544, ClinGen allele CA8853296.